The following is an entry in ClinVar:

NM_001271.4(CHD2):c.3564C>T (p.Tyr1188=)

Gene: CHD2 (chromodomain helicase DNA binding protein 2; plus strand). Cytogenetic location: 15q26.1.
Variant type: single nucleotide variant.
Coding change: c.3564C>T on transcript NM_001271.4 (MANE Select); coding-DNA position 3564, C replaced by T.
Protein change: p.Tyr1188=; no amino-acid change (tyrosine 1188 retained).
Molecular consequence: synonymous variant.
Genome position (GRCh38, 1-based): chr15:92,992,967, C>T. VCF-style: chr15-92992967-C-T. GRCh37 (hg19) VCF-style: chr15-93536197-C-T.
Other names: p.Tyr1188=.
Identifiers: ClinVar variation 257709 (VCV000257709.22), dbSNP rs2272457, ClinGen allele CA7748248.

ClinVar aggregate classification (germline): Benign. Review status: criteria provided, multiple submitters, no conflicts (2 of 4 stars). 9 submissions from 9 submitters: Benign (9). Last evaluated 2026-02-03.

Conditions:
Inborn genetic diseases. Identifiers: MedGen C0950123, MeSH D030342.
Developmental and epileptic encephalopathy 94 (DEE94). Also called: Epileptic encephalopathy, childhood-onset; CHD2-Related Neurodevelopmental Disorders. Identifiers: Orphanet 1942, Orphanet 2382, MedGen C3809278, MONDO:0014150, OMIM 615369.

Allele frequency attached by ClinVar (database versions not stated): 1000 Genomes Project 30x 0.19300; 1000 Genomes Project 0.19349; gnomAD exomes 0.22485 and 0.26161; ExAC 0.22658; gnomAD 0.23089 and 0.23362; TOPMed 0.23812; ESP Exome Variant Server 0.24850.
gnomAD v4.1: 417,260 of 1,613,568 alleles (26%); highest among the groups gnomAD compares: Middle Eastern, 35%; 56,146 homozygotes.

Submissions (9):

Labcorp Genetics (formerly Invitae), Labcorp
Classification: Benign for Developmental and epileptic encephalopathy 94. Last evaluated: 2026-02-03. Review status: criteria provided, single submitter. Criteria: Invitae Variant Classification Sherloc (09022015). Collection method: clinical testing. Allele origin: germline.

Unidad de Genómica Garrahan, Hospital de Pediatría Garrahan
Classification: Benign. Last evaluated: 2024-07-15. Review status: criteria provided, single submitter. Criteria: ACMG Guidelines, 2015. Collection method: clinical testing. Allele origin: germline. Affected: no. Observed: 39 variant alleles.
Comment: This variant is classified as Benign based on local population frequency. This variant was detected in 42% of patients studied in a panel designed for Epileptic and Developmental Encephalopathy and Progressive Myoclonus Epilepsy. Number of patients: 39. Only high quality variants are reported.

Genome-Nilou Lab
Classification: Benign for Developmental and epileptic encephalopathy 94. Last evaluated: 2021-07-22. Review status: criteria provided, single submitter. Criteria: ACMG Guidelines, 2015. Collection method: clinical testing. Allele origin: germline. Affected: no.

Mayo Clinic Laboratories, Mayo Clinic
Classification: Benign. Last evaluated: 2018-04-02. Review status: criteria provided, single submitter. Criteria: ACMG Guidelines, 2015. Collection method: clinical testing. Allele origin: germline. Observed: 280 variant alleles.

Athena Diagnostics
Classification: Benign. Last evaluated: 2017-04-20. Review status: criteria provided, single submitter. Criteria: Athena Diagnostics Criteria. Collection method: clinical testing. Allele origin: germline.

Ambry Genetics
Classification: Benign for Inborn genetic diseases. Last evaluated: 2016-01-08. Review status: criteria provided, single submitter. Criteria: Ambry Variant Classification Scheme 2023. Collection method: clinical testing. Allele origin: germline.

GeneDx
Classification: Benign. Last evaluated: 2016-01-07. Review status: criteria provided, single submitter. Criteria: GeneDx Variant Classification (06012015). Collection method: clinical testing. Allele origin: germline. Affected: yes.
Comment: This variant is considered likely benign or benign based on one or more of the following criteria: it is a conservative change, it occurs at a poorly conserved position in the protein, it is predicted to be benign by multiple in silico algorithms, and/or has population frequency not consistent with disease.

Breakthrough Genomics
Classification: Benign. Review status: criteria provided, single submitter. Criteria: ACMG Guidelines, 2015. Collection method: not provided. Allele origin: germline. Inheritance: Autosomal dominant inheritance. Affected: yes.

PreventionGenetics, part of Exact Sciences
Classification: Benign. Review status: criteria provided, single submitter. Criteria: ACMG Guidelines, 2015. Collection method: clinical testing. Allele origin: germline.